The following is an entry in ClinVar:

ClinVar aggregate classification (germline): Uncertain significance (1 of 4 stars; one submission).

Conditions:
Hereditary cancer-predisposing syndrome. Also called: Hereditary neoplastic syndrome; Neoplastic Syndromes, Hereditary; Tumor predisposition; Hereditary Cancer Syndrome. Identifiers: Orphanet 140162, MedGen C0027672, MeSH D009386, MONDO:0015356.

Submission:

Ambry Genetics
Classification: Uncertain significance for Hereditary cancer-predisposing syndrome. Last evaluated: 2024-12-16. Review status: criteria provided, single submitter. Criteria: Ambry Variant Classification Scheme 2023. Collection method: clinical testing. Allele origin: germline.
Comment: The p.L152F variant (also known as c.454C>T), located in coding exon 6 of the BRCA1 gene, results from a C to T substitution at nucleotide position 454. The leucine at codon 152 is replaced by phenylalanine, an amino acid with highly similar properties. This amino acid position is well conserved in available vertebrate species. In addition, the in silico prediction for this alteration is inconclusive. Based on the available evidence, the clinical significance of this variant remains unclear.

NM_007294.4(BRCA1):c.454C>T (p.Leu152Phe)

Gene: BRCA1 (BRCA1 DNA repair associated; minus strand). Cytogenetic location: 17q21.31.
Variant type: single nucleotide variant.
Coding change: c.454C>T on transcript NM_007294.4 (MANE Select); coding-DNA position 454, C replaced by T.
Protein change: p.Leu152Phe; replaces leucine 152 with phenylalanine.
Molecular consequence: missense variant. On other transcripts: intron variant (2).
Genome position (GRCh38, 1-based): chr17:43,099,868, G>A on the plus strand (C>T on the coding strand, the complement: BRCA1 is on the minus strand). VCF-style: chr17-43099868-G-A. GRCh37 (hg19) VCF-style: chr17-41251885-G-A.
Other names: c.376C>T, p.Leu126Phe (NM_001407654.1, NM_001407655.1, NM_001407656.1 and 12 more transcripts); c.373C>T, p.Leu125Phe (NM_001407659.1, NM_001407660.1, NM_001407661.1 and 6 more transcripts); c.454C>T, p.Leu152Phe (NM_001407665.1, NM_001407666.1, NM_001407668.1 and 96 more transcripts); c.310C>T, p.Leu104Phe (NM_001407740.1, NM_001407741.1, NM_001407742.1 and 35 more transcripts); c.313C>T, p.Leu105Phe (NM_001407750.1, NM_001407751.1, NM_001407752.1 and 61 more transcripts); c.241C>T, p.Leu81Phe (NM_001407853.1, NM_001407894.1, NM_001407895.1 and 18 more transcripts); c.451C>T, p.Leu151Phe (NM_001407860.1, NM_001407861.1, NM_001407940.1 and 65 more transcripts); c.244C>T, p.Leu82Phe (NM_001407879.1, NM_001407881.1, NM_001407882.1 and 37 more transcripts); and 5 more; short protein forms L151F, L25F, L126F, L149F, L82F, L125F, L152F, L81F.
Identifiers: ClinVar variation 3825275 (VCV003825275.1).